The following is an entry in ClinVar:

ClinVar aggregate classification (germline): Uncertain significance (1 of 4 stars; one submission).

Allele frequency attached by ClinVar (database versions not stated): TOPMed below 0.00001.
gnomAD v4.1: 1 of 1,465,594 alleles (0.000068%); highest among the groups gnomAD compares: Non-Finnish European, 0.00009%; no homozygotes.

Submission:

Labcorp Genetics (formerly Invitae), Labcorp
Classification: Uncertain significance. Last evaluated: 2022-08-12. Review status: criteria provided, single submitter. Criteria: Invitae Variant Classification Sherloc (09022015). Collection method: clinical testing. Allele origin: germline.
Comment: In summary, the available evidence is currently insufficient to determine the role of this variant in disease. Therefore, it has been classified as a Variant of Uncertain Significance. Advanced modeling of protein sequence and biophysical properties (such as structural, functional, and spatial information, amino acid conservation, physicochemical variation, residue mobility, and thermodynamic stability) performed at Invitae indicates that this missense variant is not expected to disrupt COL4A1 protein function. This variant has not been reported in the literature in individuals affected with COL4A1-related conditions. This variant is not present in population databases (gnomAD no frequency). This sequence change replaces arginine, which is basic and polar, with tryptophan, which is neutral and slightly polar, at codon 4 of the COL4A1 protein (p.Arg4Trp).

NM_001845.6(COL4A1):c.10C>T (p.Arg4Trp)

Gene: COL4A1 (collagen type IV alpha 1 chain; minus strand). Cytogenetic location: 13q34.
Variant type: single nucleotide variant.
Coding change: c.10C>T on transcript NM_001845.6 (MANE Select); coding-DNA position 10, C replaced by T.
Protein change: p.Arg4Trp; replaces arginine 4 with tryptophan.
Molecular consequence: missense variant.
Genome position (GRCh38, 1-based): chr13:110,307,018, G>A on the plus strand (C>T on the coding strand, the complement: COL4A1 is on the minus strand). VCF-style: chr13-110307018-G-A. GRCh37 (hg19) VCF-style: chr13-110959365-G-A.
Other names: c.10C>T, p.Arg4Trp (NM_001303110.2); short protein forms R4W.
Identifiers: ClinVar variation 2179949 (VCV002179949.4), dbSNP rs1884761835, ClinGen allele CA388732761.
Genomic context (GRCh38, chr13:110,307,018, plus strand): 5'-GGCTGTGCTCCTCGTGGAGCAGAAGGGCGGCGGGCAGCAGCAGCAGCCAGACGCTGAGCC[G>A]GGGCCCCATGGTGGCGCGCCCGAGGCGGCGAGGGACGGCTGCCCGGCGTGCGGGGGCCGC-3'
Protein context (NP_001836.3, residues 1-14): MGP[Arg4Trp]LSVWLLLLPA